The following is an entry in ClinVar:

NM_080680.3(COL11A2):c.2180G>A (p.Gly727Glu)

Gene: COL11A2 (collagen type XI alpha 2 chain; minus strand). Cytogenetic location: 6p21.32.
Variant type: single nucleotide variant.
Coding change: c.2180G>A on transcript NM_080680.3 (MANE Select); coding-DNA position 2180, G replaced by A.
Protein change: p.Gly727Glu; replaces glycine 727 with glutamic acid.
Molecular consequence: missense variant.
Genome position (GRCh38, 1-based): chr6:33,176,293, C>T on the plus strand (G>A on the coding strand, the complement: COL11A2 is on the minus strand). VCF-style: chr6-33176293-C-T. GRCh37 (hg19) VCF-style: chr6-33144070-C-T.
Other names: c.2000G>A, p.Gly667Glu (NM_001424108.1); c.1334G>A, p.Gly445Glu (NM_001424109.1); c.1154G>A, p.Gly385Glu (NM_001424110.1, NM_001424111.1); c.134G>A, p.Gly45Glu (NM_001424112.1); c.1859G>A, p.Gly620Glu (NM_080679.3); c.1922G>A, p.Gly641Glu (NM_080681.3); short protein forms G727E, G667E, G385E, G445E, G45E, G641E, G620E.
Identifiers: ClinVar variation 3635255 (VCV003635255.2).

ClinVar aggregate classification (germline): Uncertain significance (1 of 4 stars; one submission).

Submission:

Labcorp Genetics (formerly Invitae), Labcorp
Classification: Uncertain significance. Last evaluated: 2024-05-20. Review status: criteria provided, single submitter. Criteria: Invitae Variant Classification Sherloc (09022015). Collection method: clinical testing. Allele origin: germline.
Comment: This sequence change replaces glycine, which is neutral and non-polar, with glutamic acid, which is acidic and polar, at codon 727 of the COL11A2 protein (p.Gly727Glu). This variant is not present in population databases (gnomAD no frequency). This variant has not been reported in the literature in individuals affected with COL11A2-related conditions. Advanced modeling of protein sequence and biophysical properties (such as structural, functional, and spatial information, amino acid conservation, physicochemical variation, residue mobility, and thermodynamic stability) performed at Invitae indicates that this missense variant is expected to disrupt COL11A2 protein function with a positive predictive value of 95%. In summary, the available evidence is currently insufficient to determine the role of this variant in disease. Therefore, it has been classified as a Variant of Uncertain Significance.